The following is an entry in ClinVar:

NM_001367624.2(ZNF469):c.3492C>T (p.Gly1164=)

Gene: ZNF469 (zinc finger protein 469; plus strand). Cytogenetic location: 16q24.2.
Variant type: single nucleotide variant.
Coding change: c.3492C>T on transcript NM_001367624.2 (MANE Select); coding-DNA position 3492, C replaced by T.
Protein change: p.Gly1164=; no amino-acid change (glycine 1164 retained).
Molecular consequence: synonymous variant.
Genome position (GRCh38, 1-based): chr16:88,430,962, C>T. VCF-style: chr16-88430962-C-T. GRCh37 (hg19) VCF-style: chr16-88497370-C-T.
Other names: NM_001127464.1:c.3408C>T; NM_001127464.2:c.3408C>T.
Identifiers: ClinVar variation 1731138 (VCV001731138.6), dbSNP rs1003127561, ClinGen allele CA286374958.

ClinVar aggregate classification (germline): Likely benign. Review status: criteria provided, multiple submitters, no conflicts (2 of 4 stars). 3 submissions from 3 submitters: Likely benign (3). Last evaluated 2026-01-11.

Conditions:
ZNF469-related disorder. Also called: ZNF469-related condition.
Cardiovascular phenotype. Identifiers: MedGen CN230736.

Allele frequency attached by ClinVar (database versions not stated): gnomAD exomes 0.00001; gnomAD 0.00002; TOPMed 0.00004.
gnomAD v4.1: 16 of 1,536,038 alleles (0.001%); highest among the groups gnomAD compares: East Asian, 0.037%; no homozygotes.

Submissions (3):

Labcorp Genetics (formerly Invitae), Labcorp
Classification: Likely benign. Last evaluated: 2026-01-11. Review status: criteria provided, single submitter. Criteria: Invitae Variant Classification Sherloc (09022015). Collection method: clinical testing. Allele origin: germline.

PreventionGenetics, part of Exact Sciences
Classification: Likely benign for ZNF469-related condition. Last evaluated: 2025-12-04. Review status: criteria provided, single submitter. Criteria: ACMG Guidelines, 2015. Collection method: clinical testing. Allele origin: germline.
Comment: This variant is classified as likely benign based on ACMG/AMP sequence variant interpretation guidelines (Richards et al. 2015 PMID: 25741868, with internal and published modifications).

Ambry Genetics
Classification: Likely benign for Cardiovascular phenotype. Last evaluated: 2021-01-24. Review status: criteria provided, single submitter. Criteria: Ambry Variant Classification Scheme 2023. Collection method: clinical testing. Allele origin: germline.